The following is an entry in ClinVar:

NM_001267550.2(TTN):c.54441T>A (p.Tyr18147Ter)

Genes: TTN-AS1 (TTN antisense RNA 1; plus strand), TTN (titin; minus strand). Cytogenetic location: 2q31.2.
Variant type: single nucleotide variant.
Coding change: c.54441T>A on transcript NM_001267550.2 (MANE Select); coding-DNA position 54441, T replaced by A.
Protein change: p.Tyr18147Ter; replaces tyrosine 18147 with a stop codon.
Molecular consequence: nonsense.
Genome position (GRCh38, 1-based): chr2:178,604,246, A>T on the plus strand (T>A on the coding strand, the complement: TTN is on the minus strand). VCF-style: chr2-178604246-A-T. GRCh37 (hg19) VCF-style: chr2-179468973-A-T.
Other names: c.49518T>A, p.Tyr16506Ter (NM_001256850.1); c.27246T>A, p.Tyr9082Ter (NM_003319.4); c.46737T>A, p.Tyr15579Ter (NM_133378.4); c.27621T>A, p.Tyr9207Ter (NM_133432.3); c.27822T>A, p.Tyr9274Ter (NM_133437.4); short protein forms Y15579*, Y16506*, Y18147*, Y9082*, Y9207*, Y9274*.
Identifiers: ClinVar variation 3755064 (VCV003755064.2).

ClinVar aggregate classification (germline): Likely pathogenic (1 of 4 stars; one submission).

Conditions:
Dilated cardiomyopathy 1G (CMD1G). Identifiers: Orphanet 154, MedGen C1858763, MONDO:0011400, OMIM 604145.
Autosomal recessive limb-girdle muscular dystrophy type 2J (LGMDR10). Also called: Limb-girdle muscular dystrophy, type 2J; MUSCULAR DYSTROPHY, LIMB-GIRDLE, AUTOSOMAL RECESSIVE 10. Identifiers: Orphanet 140922, MedGen C1837342, MONDO:0012127, OMIM 608807.

Submission:

Labcorp Genetics (formerly Invitae), Labcorp
Classification: Likely pathogenic for Dilated cardiomyopathy 1G; Autosomal recessive limb-girdle muscular dystrophy type 2J. Last evaluated: 2024-05-16. Review status: criteria provided, single submitter. Criteria: Invitae Variant Classification Sherloc (09022015). Collection method: clinical testing. Allele origin: germline.
Comment: This sequence change creates a premature translational stop signal (p.Tyr18147*) in the TTN gene. While this is not anticipated to result in nonsense mediated decay, it is expected to create a truncated TTN protein. This variant is not present in population databases (gnomAD no frequency). This variant has not been reported in the literature in individuals affected with TTN-related conditions. This variant is located in the A band of TTN (PMID: 25589632). Truncating variants in this region are significantly overrepresented in patients affected with dilated cardiomyopathy (PMID: 25589632). Truncating variants in this region have also been reported in individuals affected with autosomal recessive centronuclear myopathy (PMID: 23975875). In summary, the currently available evidence indicates that the variant is pathogenic, but additional data are needed to prove that conclusively. Therefore, this variant has been classified as Likely Pathogenic.

Literature cited by the submitters: PubMed 25589632; PubMed 23975875.